The following is an entry in ClinVar:

ClinVar aggregate classification (germline): Uncertain significance. Review status: criteria provided, multiple submitters, no conflicts (2 of 4 stars). 4 submissions from 4 submitters: Uncertain significance (4). Last evaluated 2024-01-04.

Conditions:
Cardiovascular phenotype. Identifiers: MedGen CN230736.
Hereditary cancer-predisposing syndrome. Also called: Neoplastic Syndromes, Hereditary; Tumor predisposition; Hereditary Cancer Syndrome; Hereditary neoplastic syndrome. Identifiers: Orphanet 140162, MedGen C0027672, MeSH D009386, MONDO:0015356.
Neurofibromatosis, type 1 (NF1). Also called: NEUROFIBROMATOSIS, TYPE I, SOMATIC; Peripheral type neurofibromatosis; Neurofibromatosis, type I; VON RECKLINGHAUSEN DISEASE. Identifiers: Orphanet 636, MedGen C0027831, MONDO:0018975, OMIM 162200. Disease mechanism: loss of function.

Submissions (4):

Labcorp Genetics (formerly Invitae), Labcorp
Classification: Uncertain significance for Neurofibromatosis, type 1. Last evaluated: 2024-01-04. Review status: criteria provided, single submitter. Criteria: Invitae Variant Classification Sherloc (09022015). Collection method: clinical testing. Allele origin: germline.
Comment: This sequence change replaces isoleucine, which is neutral and non-polar, with methionine, which is neutral and non-polar, at codon 1806 of the NF1 protein (p.Ile1806Met). This variant is not present in population databases (gnomAD no frequency). This missense change has been observed in individual(s) with clinical features of NF1-related conditions (PMID: 32107864). This variant is also known as c.5481C>G (p.Ile1827Met). ClinVar contains an entry for this variant (Variation ID: 517503). Advanced modeling of protein sequence and biophysical properties (such as structural, functional, and spatial information, amino acid conservation, physicochemical variation, residue mobility, and thermodynamic stability) performed at Invitae indicates that this missense variant is expected to disrupt NF1 protein function with a positive predictive value of 95%. In summary, the available evidence is currently insufficient to determine the role of this variant in disease. Therefore, it has been classified as a Variant of Uncertain Significance.

Genome-Nilou Lab
Classification: Uncertain significance for Neurofibromatosis, type 1. Last evaluated: 2022-03-15. Review status: criteria provided, single submitter. Criteria: ACMG Guidelines, 2015. Collection method: clinical testing. Allele origin: germline. Affected: no.

Ambry Genetics
Classification: Uncertain significance for Cardiovascular phenotype; Hereditary cancer-predisposing syndrome. Last evaluated: 2021-03-31. Review status: criteria provided, single submitter. Criteria: Ambry Variant Classification Scheme 2023. Collection method: clinical testing. Allele origin: germline.
Comment: The p.I1806M variant (also known as c.5418C>G), located in coding exon 37 of the NF1 gene, results from a C to G substitution at nucleotide position 5418. The isoleucine at codon 1806 is replaced by methionine, an amino acid with highly similar properties. This alteration, designated c.5481C>G p.(Ile1827Met), was detected in 1/28 patients with either NeurofibromatosisNoonan syndrome or a suspicion of Noonan spectrum disorders and caf&eacute;aulait spots with a prior negative Noonan spectrum disorder panel testing, and was classified as a variant of unknown significance by the authors (Witkowski L et al. Mol Genet Genomic Med, 2020 04;8:e1180). This amino acid position is highly conserved in available vertebrate species. In addition, this alteration is predicted to be deleterious by in silico analysis. Since supporting evidence is limited at this time, the clinical significance of this alteration remains unclear.

Laboratory for Molecular Medicine, Mass General Brigham Personalized Medicine
Classification: Uncertain significance. Last evaluated: 2017-07-20. Review status: criteria provided, single submitter. Criteria: LMM Criteria. Collection method: clinical testing. Allele origin: germline. Observed: 2 variant alleles.
Comment: The p.Ile1827Met variant in NF1 has not been previously reported in individuals with RASopathy or in large population studies. Computational prediction tools an d conservation analysis do not provide strong support for or against an impact t o the protein. In summary, the clinical significance of the p.Ile1827Met variant is uncertain.

Literature cited by the submitters: PubMed 32107864 (cited by Labcorp Genetics (formerly Invitae), Labcorp).

NM_001042492.3(NF1):c.5481C>G (p.Ile1827Met)

Gene: NF1 (neurofibromin 1; plus strand). Cytogenetic location: 17q11.2.
Variant type: single nucleotide variant.
Coding change: c.5481C>G on transcript NM_001042492.3 (MANE Select); coding-DNA position 5481, C replaced by G.
Protein change: p.Ile1827Met; replaces isoleucine 1827 with methionine.
Molecular consequence: missense variant.
Genome position (GRCh38, 1-based): chr17:31,327,711, C>G. VCF-style: chr17-31327711-C-G. GRCh37 (hg19) VCF-style: chr17-29654729-C-G.
Other names: c.5418C>G, p.Ile1806Met (NM_000267.4); short protein forms I1806M, I1827M.
Identifiers: ClinVar variation 517503 (VCV000517503.12), dbSNP rs1555533607, ClinGen allele CA399009538.